The following is an entry in ClinVar:

ClinVar aggregate classification (germline): Uncertain significance (1 of 4 stars; one submission).

Submission:

Labcorp Genetics (formerly Invitae), Labcorp
Classification: Uncertain significance. Last evaluated: 2024-07-08. Review status: criteria provided, single submitter. Criteria: Invitae Variant Classification Sherloc (09022015). Collection method: clinical testing. Allele origin: germline.
Comment: This sequence change replaces serine, which is neutral and polar, with asparagine, which is neutral and polar, at codon 508 of the REST protein (p.Ser508Asn). This variant is not present in population databases (gnomAD no frequency). This variant has not been reported in the literature in individuals affected with REST-related conditions. ClinVar contains an entry for this variant (Variation ID: 1912764). Algorithms developed to predict the effect of missense changes on protein structure and function output the following: SIFT: "Not Available"; PolyPhen-2: "Benign"; Align-GVGD: "Not Available". The asparagine amino acid residue is found in multiple mammalian species, which suggests that this missense change does not adversely affect protein function. In summary, the available evidence is currently insufficient to determine the role of this variant in disease. Therefore, it has been classified as a Variant of Uncertain Significance.

NM_005612.5(REST):c.1523G>A (p.Ser508Asn)

Gene: REST (RE1 silencing transcription factor; plus strand). Cytogenetic location: 4q12.
Variant type: single nucleotide variant.
Coding change: c.1523G>A on transcript NM_005612.5 (MANE Select); coding-DNA position 1523, G replaced by A.
Protein change: p.Ser508Asn; replaces serine 508 with asparagine.
Molecular consequence: missense variant.
Genome position (GRCh38, 1-based): chr4:56,930,381, G>A. VCF-style: chr4-56930381-G-A. GRCh37 (hg19) VCF-style: chr4-57796547-G-A.
Other names: c.1523G>A, p.Ser508Asn (NM_001193508.2, NM_001363453.3); short protein forms S508N.
Identifiers: ClinVar variation 1912764 (VCV001912764.5), dbSNP rs2475849617, ClinGen allele CA357006806.